The following is an entry in ClinVar:

ClinVar aggregate classification (germline): Pathogenic. Review status: criteria provided, multiple submitters, no conflicts (2 of 4 stars). 3 submissions from 3 submitters: Pathogenic (3). Last evaluated 2026-04-14.

Conditions:
Benign recurrent intrahepatic cholestasis type 1. Also called: SUMMERSKILL SYNDROME; Mild-to-Moderate ATP8B1 Deficiency (Benign Recurrent Intrahepatic Cholestasis 1 [BRIC1]). Identifiers: Orphanet 65682, Orphanet 99960, MedGen C4551899, MONDO:0009469, OMIM 243300.
Familial intrahepatic cholestasis. Identifiers: Orphanet 284385, MedGen CN296401, MONDO:0017290.

Submissions (3):

Genomenon, Inc
Classification: Pathogenic for Familial intrahepatic cholestasis. Last evaluated: 2026-04-14. Review status: criteria provided, single submitter. Criteria: Genomenon Sequence Variant Interpretation Standards - Updated. Collection method: curation. Allele origin: germline. Affected: yes.
Comment: ATP8B1 p.Asn205LysfsTer2 (c.614dup) is a frameshift variant that results in the production of a truncated protein which is predicted to undergo nonsense-mediated mRNA decay. This variant has been observed in at least one proband with features of ATP8B1-deficiency (PMID:28733223;15239083;27050426). The variant was found to segregate with disease in at least one affected family (PMID:27050426). It is absent or not present at a significant frequency in gnomAD. In conclusion, we classify ATP8B1 p.Asn205LysfsTer2 (c.614dup) as a pathogenic variant.

Baylor Genetics
Classification: Pathogenic for Benign recurrent intrahepatic cholestasis type 1. Last evaluated: 2024-03-29. Review status: criteria provided, single submitter. Criteria: ACMG Guidelines, 2015. Collection method: clinical testing. Allele origin: unknown.

Eurofins Ntd Llc (ga)
Classification: Pathogenic. Last evaluated: 2018-02-15. Review status: criteria provided, single submitter. Criteria: EGL ClinVar v180209 classification definitions. Collection method: clinical testing. Allele origin: germline.

Literature cited by the submitters: PubMed 28733223 (cited by Genomenon, Inc); PubMed 15239083 (cited by Genomenon, Inc); PubMed 27050426 (cited by Genomenon, Inc).

NM_001374385.1(ATP8B1):c.614dup (p.Asn205fs)

Gene: ATP8B1 (ATPase phospholipid transporting 8B1; minus strand). Cytogenetic location: 18q21.31.
Variant type: Duplication.
Coding change: c.614dup on transcript NM_001374385.1 (MANE Select); coding-DNA position 614, one base duplicated (A; older notation c.614dupA).
Protein change: p.Asn205fs; shifts the reading frame from asparagine 205.
Molecular consequence: frameshift variant.
Genome position (GRCh38, 1-based): chr18:57,697,808, T duplicated on the plus strand (A on the coding strand, the reverse complement: ATP8B1 is on the minus strand); the first of 8 consecutive T bases (chr18:57,697,808-57,697,815); duplicating any one gives the same sequence. VCF-style (leftmost placement, unchanged base first): chr18-57697807-A-AT. GRCh37 (hg19) VCF-style: chr18-55365039-A-AT.
Other names: c.464dup, p.Asn155fs (NM_001374386.1); c.614dup, p.Asn205fs (NM_005603.6); short protein forms N205fs, N155fs.
Identifiers: ClinVar variation 596167 (VCV000596167.7), dbSNP rs761784230, ClinGen allele CA8974793.